The following is an entry in ClinVar:

ClinVar aggregate classification (germline): Likely pathogenic (1 of 4 stars; one submission).

Conditions:
Nemaline myopathy 2 (NEM2). Also called: Nemaline myopathy 2, autosomal recessive. Identifiers: MedGen C1850569, MONDO:0009725, OMIM 256030.

Submission:

Myriad Genetics, Inc.
Classification: Likely pathogenic for Nemaline myopathy 2. Last evaluated: 2022-01-02. Review status: criteria provided, single submitter. Criteria: Myriad Women's Health Autosomal Recessive and X-Linked Classification Criteria (2021). Collection method: clinical testing. Allele origin: unknown.
Comment: NM_001271208.1(NEB):c.3448A>T(K1150*) is expected to be pathogenic in the context of NEB-related nemaline myopathy. This variant is predicted to lead to an abnormal or absent protein product due to the creation of a premature termination codon in NEB, a gene where loss-of-function variants are known to be pathogenic. Please note: this variant was assessed in the context of healthy population screening.

NM_001164508.2(NEB):c.3448A>T (p.Lys1150Ter)

Gene: NEB (nebulin; minus strand). Cytogenetic location: 2q23.3.
Variant type: single nucleotide variant.
Coding change: c.3448A>T on transcript NM_001164508.2 (MANE Select); coding-DNA position 3448, A replaced by T.
Protein change: p.Lys1150Ter; replaces lysine 1150 with a stop codon.
Molecular consequence: nonsense.
Genome position (GRCh38, 1-based): chr2:151,677,995, T>A on the plus strand (A>T on the coding strand, the complement: NEB is on the minus strand). VCF-style: chr2-151677995-T-A. GRCh37 (hg19) VCF-style: chr2-152534509-T-A.
Other names: c.3448A>T, p.Lys1150Ter (NM_001164507.2, NM_001271208.2, NM_004543.5); short protein forms K1150*.
Identifiers: ClinVar variation 1726355 (VCV001726355.2), dbSNP rs767004691, ClinGen allele CA348819092.